The following is an entry in ClinVar:

NM_006231.4(POLE):c.5428C>T (p.His1810Tyr)

Gene: POLE (DNA polymerase epsilon, catalytic subunit; minus strand). Cytogenetic location: 12q24.33.
Variant type: single nucleotide variant.
Coding change: c.5428C>T on transcript NM_006231.4 (MANE Select); coding-DNA position 5428, C replaced by T.
Protein change: p.His1810Tyr; replaces histidine 1810 with tyrosine.
Molecular consequence: missense variant.
Genome position (GRCh38, 1-based): chr12:132,639,249, G>A on the plus strand (C>T on the coding strand, the complement: POLE is on the minus strand). VCF-style: chr12-132639249-G-A. GRCh37 (hg19) VCF-style: chr12-133215835-G-A.
Other names: short protein forms H1810Y.
Identifiers: ClinVar variation 1390179 (VCV001390179.6), dbSNP rs2138510636, ClinGen allele CA387374912.

ClinVar aggregate classification (germline): Uncertain significance (1 of 4 stars; one submission).

Submission:

Labcorp Genetics (formerly Invitae), Labcorp
Classification: Uncertain significance. Last evaluated: 2022-03-07. Review status: criteria provided, single submitter. Criteria: Invitae Variant Classification Sherloc (09022015). Collection method: clinical testing. Allele origin: germline.
Comment: In summary, the available evidence is currently insufficient to determine the role of this variant in disease. Therefore, it has been classified as a Variant of Uncertain Significance. Algorithms developed to predict the effect of missense changes on protein structure and function (SIFT, PolyPhen-2, Align-GVGD) all suggest that this variant is likely to be tolerated. This variant has not been reported in the literature in individuals affected with POLE-related conditions. This variant is not present in population databases (gnomAD no frequency). This sequence change replaces histidine, which is basic and polar, with tyrosine, which is neutral and polar, at codon 1810 of the POLE protein (p.His1810Tyr).